The following is an entry in ClinVar:

NM_000321.3(RB1):c.1468G>T (p.Ala490Ser)

Gene: RB1 (RB transcriptional corepressor 1; plus strand). Cytogenetic location: 13q14.2.
Variant type: single nucleotide variant.
Coding change: c.1468G>T on transcript NM_000321.3 (MANE Select); coding-DNA position 1468, G replaced by T.
Protein change: p.Ala490Ser; replaces alanine 490 with serine.
Molecular consequence: missense variant.
Genome position (GRCh38, 1-based): chr13:48,380,211, G>T. VCF-style: chr13-48380211-G-T. GRCh37 (hg19) VCF-style: chr13-48954347-G-T.
Other names: short protein forms A490S.
Identifiers: ClinVar variation 941124 (VCV000941124.11), dbSNP rs201458896, ClinGen allele CA028880.

ClinVar aggregate classification (germline): Uncertain significance. Review status: criteria provided, multiple submitters, no conflicts (2 of 4 stars). 3 submissions from 3 submitters: Uncertain significance (3). Last evaluated 2025-06-09.

Conditions:
Hereditary cancer-predisposing syndrome. Also called: Hereditary neoplastic syndrome; Neoplastic Syndromes, Hereditary; Tumor predisposition; Hereditary Cancer Syndrome. Identifiers: Orphanet 140162, MedGen C0027672, MeSH D009386, MONDO:0015356.
Retinoblastoma (RB1). Also called: RETINOBLASTOMA, SOMATIC. Identifiers: Orphanet 790, MedGen C0035335, MeSH D012175, MONDO:0008380, OMIM 180200, HP:0009919. Disease mechanism: loss of function. Inheritance: Both sporadic and heritable forms are tested..

gnomAD v4.1: 4 of 1,605,006 alleles (0.00025%); highest among the groups gnomAD compares: Non-Finnish European, 0.00034%; no homozygotes.

Submissions (3):

Labcorp Genetics (formerly Invitae), Labcorp
Classification: Uncertain significance for Retinoblastoma. Last evaluated: 2025-06-09. Review status: criteria provided, single submitter. Criteria: Invitae Variant Classification Sherloc (09022015). Collection method: clinical testing. Allele origin: germline.
Comment: This sequence change replaces alanine, which is neutral and non-polar, with serine, which is neutral and polar, at codon 490 of the RB1 protein (p.Ala490Ser). The frequency data for this variant in the population databases is considered unreliable, as metrics indicate poor data quality at this position in the gnomAD database. This missense change has been observed in individual(s) with clinical features of RB1-related conditions (PMID: 21520333). ClinVar contains an entry for this variant (Variation ID: 941124). Invitae Evidence Modeling of protein sequence and biophysical properties (such as structural, functional, and spatial information, amino acid conservation, physicochemical variation, residue mobility, and thermodynamic stability) indicates that this missense variant is not expected to disrupt RB1 protein function with a negative predictive value of 80%. In summary, the available evidence is currently insufficient to determine the role of this variant in disease. Therefore, it has been classified as a Variant of Uncertain Significance.

Ambry Genetics
Classification: Uncertain significance for Hereditary cancer-predisposing syndrome. Last evaluated: 2024-03-13. Review status: criteria provided, single submitter. Criteria: Ambry Variant Classification Scheme 2023. Collection method: clinical testing. Allele origin: germline.
Comment: The p.A490S variant (also known as c.1468G>T), located in coding exon 16 of the RB1 gene, results from a G to T substitution at nucleotide position 1468. The alanine at codon 490 is replaced by serine, an amino acid with similar properties. This amino acid position is highly conserved in available vertebrate species. In addition, the in silico prediction for this alteration is inconclusive. Since supporting evidence is limited at this time, the clinical significance of this alteration remains unclear.

All of Us Research Program, National Institutes of Health
Classification: Uncertain significance for Retinoblastoma. Last evaluated: 2023-08-15. Review status: criteria provided, single submitter. Criteria: ACMG Guidelines, 2015. Collection method: clinical testing. Allele origin: germline. Inheritance: Autosomal dominant inheritance. Observed: 1 variant allele, 1 heterozygote.
Comment: This study involves interpretation of variants in research participants for the purpose of population health screening. Participant phenotype was not available at the time of variant classification. Additional details can be found in publication PMID: 35346344, PMCID: PMC8962531

Literature cited by the submitters: PubMed 21520333 (cited by Labcorp Genetics (formerly Invitae), Labcorp).